The following is an entry in ClinVar:

ClinVar aggregate classification (germline): Benign/Likely benign. Review status: criteria provided, multiple submitters, no conflicts (2 of 4 stars). 5 submissions from 5 submitters: Benign (1); Likely benign (3). 1 of the submissions does not count toward it. Last evaluated 2023-04-11.

Conditions:
Disorders of Intracellular Cobalamin Metabolism. Identifiers: MedGen CN043592.
Cobalamin C disease. Also called: Methylmalonic aciduria with homocystinuria cblC type; methylmalonic aciduria and homocystinuria type cblC; Methylmalonic aciduria and homocystinuria, Vitamin B12-responsive; Vitamin B12 metabolic defect with combined deficiency of methylmalonyl-CoA mutase and homocysteine:methyltetrahydrofolate methyltransferase; Cobalamin-C methylmalonic acidemia and homocystinuria; Methylmalonic acidemia and homocystinuria cblC type. Identifiers: Orphanet 26, Orphanet 79282, MedGen C1848561, MONDO:0010184, OMIM 277400.

Allele frequency attached by ClinVar (database versions not stated): gnomAD exomes 0.00104; gnomAD 0.01249 and 0.01308; TOPMed 0.01394; 1000 Genomes Project 30x 0.01562; 1000 Genomes Project 0.01597.
gnomAD v4.1: 2,010 of 371,720 alleles (0.54%); highest among the groups gnomAD compares: African/African-American, 3.7%; 29 homozygotes.

Submissions (5):

Genome-Nilou Lab
Classification: Likely benign for Cobalamin C disease. Last evaluated: 2023-04-11. Review status: criteria provided, single submitter. Criteria: ACMG Guidelines, 2015. Collection method: clinical testing. Allele origin: germline. Affected: no.

GeneDx
Classification: Likely benign. Last evaluated: 2019-06-12. Review status: criteria provided, single submitter. Criteria: GeneDx Variant Classification Process June 2021. Collection method: clinical testing. Allele origin: germline. Affected: yes.

Illumina Laboratory Services, Illumina
Classification: Benign for Disorders of Intracellular Cobalamin Metabolism. Last evaluated: 2018-01-13. Review status: criteria provided, single submitter. Criteria: ICSL Variant Classification Criteria 13 December 2019. Collection method: clinical testing. Allele origin: germline.
Comment: This variant was observed in the ICSL laboratory as part of a predisposition screen in an ostensibly healthy population. It had not been previously curated by ICSL or reported in the Human Gene Mutation Database (HGMD: prior to June 1st, 2018), and was therefore a candidate for classification through an automated scoring system. Utilizing variant allele frequency, disease prevalence and penetrance estimates, and inheritance mode, an automated score was calculated to assess if this variant is too frequent to cause the disease. Based on the score and internal cut-off values, a variant classified as benign is not then subjected to further curation. The score for this variant resulted in a classification of benign for this disease.

Breakthrough Genomics
Classification: Likely benign. Review status: criteria provided, single submitter. Criteria: ACMG Guidelines, 2015. Collection method: not provided. Allele origin: germline. Inheritance: Autosomal recessive inheritance. Affected: yes.

Natera, Inc.
Classification: Likely benign for Methylmalonic aciduria and homocystinuria cblC type. Last evaluated: 2019-07-10. Review status: no assertion criteria provided. Collection method: clinical testing. Allele origin: germline. Not counted in ClinVar's aggregate classification.

NM_015506.3(MMACHC):c.*269A>G

Gene: MMACHC (metabolism of cobalamin associated C; plus strand). Cytogenetic location: 1p34.1.
Variant type: single nucleotide variant.
Coding change: c.*269A>G on transcript NM_015506.3 (MANE Select); 269 bases downstream of the stop codon, A replaced by G.
Molecular consequence: 3 prime UTR variant.
Genome position (GRCh38, 1-based): chr1:45,509,484, A>G. VCF-style: chr1-45509484-A-G. GRCh37 (hg19) VCF-style: chr1-45975156-A-G.
Other names: c.*269A>G (NM_001330540.2).
Identifiers: ClinVar variation 297501 (VCV000297501.10), dbSNP rs35067820, ClinGen allele CA10610340.
Genomic context (GRCh38, chr1:45,509,484, plus strand): 5'-TTTTTTTTTAGACAGAGTCTTACTCTGTCACCTAGGCTGGAGTGCAGTGGCACAGTCTCT[A>G]CTCACTGCAACCTCTGCCTCCTGGGTTCAAGCAATTATCTGCCTCAGCCTCCTGAGTAGC-3'